The following is an entry in ClinVar:

NM_015338.6(ASXL1):c.3158T>C (p.Val1053Ala)

Gene: ASXL1 (ASXL transcriptional regulator 1; plus strand). Cytogenetic location: 20q11.21.
Variant type: single nucleotide variant.
Coding change: c.3158T>C on transcript NM_015338.6 (MANE Select); coding-DNA position 3158, T replaced by C.
Protein change: p.Val1053Ala; replaces valine 1053 with alanine.
Molecular consequence: missense variant.
Genome position (GRCh38, 1-based): chr20:32,435,870, T>C. VCF-style: chr20-32435870-T-C. GRCh37 (hg19) VCF-style: chr20-31023673-T-C.
Other names: c.2975T>C, p.Val992Ala (NM_001363734.1); short protein forms V1053A, V992A.
Identifiers: ClinVar variation 4587388 (VCV004587388.1).

ClinVar aggregate classification (germline): Uncertain significance (1 of 4 stars; one submission).

Conditions:
Inborn genetic diseases. Identifiers: MedGen C0950123, MeSH D030342.

Submission:

Ambry Genetics
Classification: Uncertain significance for Inborn genetic diseases. Last evaluated: 2025-09-27. Review status: criteria provided, single submitter. Criteria: Ambry Variant Classification Scheme 2023. Collection method: clinical testing. Allele origin: germline.
Comment: The p.V1053A variant (also known as c.3158T>C), located in coding exon 13 of the ASXL1 gene, results from a T to C substitution at nucleotide position 3158. The valine at codon 1053 is replaced by alanine, an amino acid with similar properties. This amino acid position is conserved. In addition, this alteration is predicted to be tolerated by in silico analysis. Based on the available evidence, the clinical significance of this variant remains unclear.